The following is an entry in ClinVar:

ClinVar aggregate classification (germline): Benign. Review status: criteria provided, single submitter (1 of 4 stars). 3 submissions from 2 submitters: Benign (1). 2 of the submissions do not count toward it. Last evaluated 2024-07-12.

Conditions:
CDKL5 disorder. Identifiers: MedGen CN296942, MONDO:0100039.

Allele frequency attached by ClinVar (database versions not stated): ExAC 0.00066; gnomAD exomes 0.00059 and 0.00073; ESP Exome Variant Server 0.00095; 1000 Genomes Project 0.00026; TOPMed 0.00055; gnomAD 0.00061; 1000 Genomes Project 30x 0.00021.
gnomAD v4.1: 821 of 1,161,061 alleles (0.071%); highest among the groups gnomAD compares: South Asian, 0.1%; 2 homozygotes.

Submissions (3):

Centre for Population Genomics, CPG
Classification: Benign for CDKL5 disorder. Last evaluated: 2024-07-12. Review status: criteria provided, single submitter. Criteria: McKnight et al. (Hum Mutat. 2022). Collection method: curation. Allele origin: germline. Inheritance: X-linked inheritance.
Comment: This variant has been collected from RettBASE and curated to current modified ACMG/AMP criteria. Based on the classification scheme defined by the ClinGen Rett/Angelman-like Expert Panel for Rett/AS-like Disorders Specifications to the ACMG/AMP Variant Interpretation Guidelines VCEP 3.0, this variant is classified as benign. At least the following criteria are met: The allele frequency of this variant in at least one population in gnomAD v4 is higher than the 0.03% threshold defined by the ClinGen Rett/Angelman-like Expert Panel for Rett/AS-like Disorders VCEP 3.0 (BA1).

RettBASE
Classification: Likely benign. Last evaluated: 2014-03-13. Review status: no assertion criteria provided. Collection method: curation. Allele origin: unknown. Observed: 1 variant allele. Not counted in ClinVar's aggregate classification.
Comment: Unlikely to be pathogenic, not predicted to change splicing; however, there is no empirical evidence for this

RettBASE
No classification provided. Review status: flagged submission. Collection method: not provided. Allele origin: not provided. Not counted in ClinVar's aggregate classification.
ClinVar note: Reason: This record appears to be redundant with a more recent record from the same submitter.
ClinVar note: Notes: SCV000189208 appears to be redundant with SCV000222280.

Literature cited by the submitters: PubMed 16015284 (cited by RettBASE).

NM_001323289.2(CDKL5):c.283-43G>A

Gene: CDKL5 (cyclin dependent kinase like 5; plus strand). Cytogenetic location: Xp22.13.
Variant type: single nucleotide variant.
Coding change: c.283-43G>A on transcript NM_001323289.2 (MANE Select); 43 bases into the intron before coding-DNA position 283, G replaced by A.
Molecular consequence: intron variant.
Genome position (GRCh38, 1-based): chrX:18,579,805, G>A. VCF-style: chrX-18579805-G-A. GRCh37 (hg19) VCF-style: chrX-18597925-G-A.
Other names: c.283-43G>A (NM_003159.3, NM_001037343.2).
Identifiers: ClinVar variation 156084 (VCV000156084.4), dbSNP rs267608448, ClinGen allele CA199360.
Genomic context (GRCh38, chrX:18,579,805, plus strand): 5'-AGCTCTGTATTGGATGAATTATTCTAGATGCTTTGTAAAATTGTTAATACATAATTTACG[G>A]GCCTACCTAATTTGGGAAATAATGACTCTATTTAATTTTTAGAATATGCTCGAATTGCTG-3'